The following is an entry in ClinVar:

ClinVar aggregate classification (germline): Uncertain significance (1 of 4 stars; one submission).

gnomAD v4.1: 8 of 1,613,488 alleles (0.0005%); highest among the groups gnomAD compares: South Asian, 0.0033%; no homozygotes.

Submission:

Labcorp Genetics (formerly Invitae), Labcorp
Classification: Uncertain significance. Last evaluated: 2025-11-17. Review status: criteria provided, single submitter. Criteria: Invitae Variant Classification Sherloc (09022015). Collection method: clinical testing. Allele origin: germline.
Comment: This sequence change replaces arginine, which is basic and polar, with histidine, which is basic and polar, at codon 2216 of the ITPR1 protein (p.Arg2216His). This variant is present in population databases (rs753036913, gnomAD 0.006%). This variant has not been reported in the literature in individuals affected with ITPR1-related conditions. Invitae Evidence Modeling of protein sequence and biophysical properties (such as structural, functional, and spatial information, amino acid conservation, physicochemical variation, residue mobility, and thermodynamic stability) has been performed for this missense variant. However, the output from this modeling did not meet the statistical confidence thresholds required to predict the impact of this variant on ITPR1 protein function. In summary, the available evidence is currently insufficient to determine the role of this variant in disease. Therefore, it has been classified as a Variant of Uncertain Significance.

NM_001378452.1(ITPR1):c.6836G>A (p.Arg2279His)

Gene: ITPR1 (inositol 1,4,5-trisphosphate receptor type 1; plus strand). Cytogenetic location: 3p26.1.
Variant type: single nucleotide variant.
Coding change: c.6836G>A on transcript NM_001378452.1 (MANE Select); coding-DNA position 6836, G replaced by A.
Protein change: p.Arg2279His; replaces arginine 2279 with histidine.
Molecular consequence: missense variant.
Genome position (GRCh38, 1-based): chr3:4,795,092, G>A. VCF-style: chr3-4795092-G-A. GRCh37 (hg19) VCF-style: chr3-4836776-G-A.
Other names: c.6692G>A, p.Arg2231His (NM_001099952.4); c.6791G>A, p.Arg2264His (NM_001168272.2); c.6647G>A, p.Arg2216His (NM_002222.7); short protein forms R2264H, R2216H, R2231H, R2279H.
Identifiers: ClinVar variation 4747712 (VCV004747712.1).
Genomic context (GRCh38, chr3:4,795,092, plus strand): 5'-CAGCCTCACGCGGCTTTGCCTTTGTCTCTGCAGCCCAGCCCGTGTTGTACTGGTGTGCCC[G>A]CAACATGTCTTTCTGGAGCAGCATTTCGTTTAACCTGGCCGTCCTGATGAACCTGCTGGT-3'
Protein context (NP_001365381.1, residues 2269-2289): RAQPVLYWCA[Arg2279His]NMSFWSSISF